The following is an entry in ClinVar:

ClinVar aggregate classification (germline): Benign. Review status: criteria provided, single submitter (1 of 4 stars). 2 submissions from 2 submitters: Benign (1). 1 of the submissions does not count toward it. Last evaluated 2026-01-11.

Conditions:
CAST-related disorder. Also called: CAST-related condition.

Allele frequency attached by ClinVar (database versions not stated): ESP Exome Variant Server 0.00200; 1000 Genomes Project 30x 0.01452; 1000 Genomes Project 0.01538.
gnomAD v4.1: 5,844 of 1,606,208 alleles (0.36%); highest among the groups gnomAD compares: Admixed American, 4%; 119 homozygotes.

Submissions (2):

Labcorp Genetics (formerly Invitae), Labcorp
Classification: Benign. Last evaluated: 2026-01-11. Review status: criteria provided, single submitter. Criteria: Invitae Variant Classification Sherloc (09022015). Collection method: clinical testing. Allele origin: germline.

PreventionGenetics, part of Exact Sciences
Classification: Benign for CAST-related condition. Last evaluated: 2019-06-10. Review status: no assertion criteria provided. Collection method: clinical testing. Allele origin: germline. Not counted in ClinVar's aggregate classification.
Comment: This variant is classified as benign based on ACMG/AMP sequence variant interpretation guidelines (Richards et al. 2015 PMID: 25741868, with internal and published modifications).

NM_001750.7(CAST):c.925A>C (p.Ile309Leu)

Gene: CAST (calpastatin; plus strand). Cytogenetic location: 5q15.
Variant type: single nucleotide variant.
Coding change: c.925A>C on transcript NM_001750.7 (MANE Select); coding-DNA position 925, A replaced by C.
Protein change: p.Ile309Leu; replaces isoleucine 309 with leucine.
Molecular consequence: missense variant.
Genome position (GRCh38, 1-based): chr5:96,741,272, A>C. VCF-style: chr5-96741272-A-C. GRCh37 (hg19) VCF-style: chr5-96076976-A-C.
Other names: c.802A>C, p.Ile268Leu (NM_001042440.5, NM_001330627.2); c.868A>C, p.Ile290Leu (NM_001042441.3); c.859A>C, p.Ile287Leu (NM_001042442.3); c.676A>C, p.Ile226Leu (NM_001042443.3); c.553A>C, p.Ile185Leu (NM_001042444.3, NM_001284212.4); c.571A>C, p.Ile191Leu (NM_001042445.3); c.514A>C, p.Ile172Leu (NM_001042446.3, NM_001330630.2); c.637A>C, p.Ile213Leu (NM_001190442.2, NM_001330631.2); and 9 more; short protein forms I154L, I172L, I185L, I191L, I194L, I204L, I207L, I213L.
Identifiers: ClinVar variation 1667261 (VCV001667261.10), dbSNP rs140434940, ClinGen allele CA3351038.